The following is an entry in ClinVar:

ClinVar aggregate classification (germline): Likely benign (1 of 4 stars; one submission).

Allele frequency attached by ClinVar (database versions not stated): 1000 Genomes Project 0.00140; 1000 Genomes Project 30x 0.00156; ExAC 0.00196; gnomAD 0.00235; TOPMed 0.00254; ESP Exome Variant Server 0.00361; gnomAD exomes 0.00423.
gnomAD v4.1: 6,506 of 1,613,744 alleles (0.4%); highest among the groups gnomAD compares: Non-Finnish European, 0.51%; 15 homozygotes.

Submission:

CeGaT Center for Human Genetics Tuebingen
Classification: Likely benign. Last evaluated: 2022-06-01. Review status: criteria provided, single submitter. Criteria: CeGaT Center For Human Genetics Tuebingen Variant Classification Criteria Version 2. Collection method: clinical testing. Allele origin: germline. Affected: yes. Observed: 1 variant allele.
Comment: HSPA4L: BP4, BP7

NM_014278.4(HSPA4L):c.2421T>C (p.Asn807=)

Gene: HSPA4L (heat shock protein family A (Hsp70) member 4 like; plus strand). Cytogenetic location: 4q28.1.
Variant type: single nucleotide variant.
Coding change: c.2421T>C on transcript NM_014278.4 (MANE Select); coding-DNA position 2421, T replaced by C.
Protein change: p.Asn807=; no amino-acid change (asparagine 807 retained).
Molecular consequence: synonymous variant.
Genome position (GRCh38, 1-based): chr4:127,832,775, T>C. VCF-style: chr4-127832775-T-C. GRCh37 (hg19) VCF-style: chr4-128753930-T-C.
Other names: c.2514T>C, p.Asn838= (NM_001317381.2); c.2343T>C, p.Asn781= (NM_001317382.2); c.2298T>C, p.Asn766= (NM_001317383.2).
Identifiers: ClinVar variation 2655091 (VCV002655091.24), dbSNP rs150262621, ClinGen allele CA3076414.